The following is an entry in ClinVar:

ClinVar aggregate classification (germline): Conflicting classifications of pathogenicity. Review status: criteria provided, conflicting classifications (1 of 4 stars). 3 submissions from 3 submitters: Uncertain significance (2); Likely benign (1). Last evaluated 2025-10-21.

Conditions:
Cardiovascular phenotype. Identifiers: MedGen CN230736.
Familial hypobetalipoproteinemia 1. Also called: Hypobetalipoproteinemia, normotriglyceridemic; Acanthocytosis with hypobetalipoproteinemia; APOB-Related Familial Hypobetalipoproteinemia. Identifiers: MedGen C4551990, MONDO:0014252, OMIM 615558.
Hypercholesterolemia, autosomal dominant, type B (FHCL2). Also called: Familial Hypercholesterolemia Type B; APOLIPOPROTEIN B-100, FAMILIAL DEFECTIVE; APOLIPOPROTEIN B-100, FAMILIAL LIGAND-DEFECTIVE; HYPERCHOLESTEROLEMIA, FAMILIAL, DUE TO LIGAND-DEFECTIVE APOLIPOPROTEIN B; Familial hypercholesterolemia 2; APOB-Related Familial Hypercholesterolemia, Autosomal Dominant. Identifiers: MedGen C1704417, MONDO:0007751, OMIM 144010.

Allele frequency attached by ClinVar (database versions not stated): TOPMed 0.00005; ESP Exome Variant Server 0.00015.
gnomAD v4.1: 20 of 1,613,950 alleles (0.0012%); highest among the groups gnomAD compares: African/African-American, 0.0027%; no homozygotes.

Submissions (3):

Ambry Genetics
Classification: Uncertain significance for Cardiovascular phenotype. Last evaluated: 2025-10-21. Review status: criteria provided, single submitter. Criteria: Ambry Variant Classification Scheme 2023. Collection method: clinical testing. Allele origin: germline.

Labcorp Genetics (formerly Invitae), Labcorp
Classification: Likely benign for Familial hypobetalipoproteinemia 1; Hypercholesterolemia, autosomal dominant, type B. Last evaluated: 2025-05-14. Review status: criteria provided, single submitter. Criteria: Invitae Variant Classification Sherloc (09022015). Collection method: clinical testing. Allele origin: germline.

GeneDx
Classification: Uncertain significance. Last evaluated: 2025-01-03. Review status: criteria provided, single submitter. Criteria: GeneDx Variant Classification Process June 2021. Collection method: clinical testing. Allele origin: germline. Affected: yes.
Comment: In silico analysis supports that this missense variant has a deleterious effect on protein structure/function; Has not been previously published as pathogenic or benign to our knowledge

NM_000384.3(APOB):c.7843C>T (p.Pro2615Ser)

Gene: APOB (apolipoprotein B; minus strand). Cytogenetic location: 2p24.1.
Variant type: single nucleotide variant.
Coding change: c.7843C>T on transcript NM_000384.3 (MANE Select); coding-DNA position 7843, C replaced by T.
Protein change: p.Pro2615Ser; replaces proline 2615 with serine.
Molecular consequence: missense variant.
Genome position (GRCh38, 1-based): chr2:21,009,025, G>A on the plus strand (C>T on the coding strand, the complement: APOB is on the minus strand). VCF-style: chr2-21009025-G-A. GRCh37 (hg19) VCF-style: chr2-21231897-G-A.
Other names: short protein forms P2615S.
Identifiers: ClinVar variation 658090 (VCV000658090.19), dbSNP rs143056106, ClinGen allele CA064848.